The following is an entry in ClinVar:

NM_004260.4(RECQL4):c.2760C>G (p.Ile920Met)

Gene: RECQL4 (RecQ like helicase 4; minus strand). Cytogenetic location: 8q24.3.
Variant type: single nucleotide variant.
Coding change: c.2760C>G on transcript NM_004260.4 (MANE Select); coding-DNA position 2760, C replaced by G.
Protein change: p.Ile920Met; replaces isoleucine 920 with methionine.
Molecular consequence: missense variant.
Genome position (GRCh38, 1-based): chr8:144,512,767, G>C on the plus strand (C>G on the coding strand, the complement: RECQL4 is on the minus strand). VCF-style: chr8-144512767-G-C. GRCh37 (hg19) VCF-style: chr8-145738150-G-C.
Other names: c.2760C>G (NM_004260.3); short protein forms I920M.
Identifiers: ClinVar variation 1045562 (VCV001045562.6), dbSNP rs752058642, ClinGen allele CA4948086.

ClinVar aggregate classification (germline): Uncertain significance. Review status: criteria provided, multiple submitters, no conflicts (2 of 4 stars). 2 submissions from 2 submitters: Uncertain significance (2). Last evaluated 2025-09-03.

Conditions:
Baller-Gerold syndrome (BGS). Also called: CRANIOSYNOSTOSIS WITH RADIAL DEFECTS. Identifiers: Orphanet 1225, MedGen C0265308, MONDO:0009039, OMIM 218600.
RECQL4-related disorder. Also called: RECQL4-related disorders; RECQL4-related condition.

gnomAD v4.1: 12 of 1,611,736 alleles (0.00074%); highest among the groups gnomAD compares: Admixed American, 0.0033%; no homozygotes.

Submissions (2):

Labcorp Genetics (formerly Invitae), Labcorp
Classification: Uncertain significance for Baller-Gerold syndrome. Last evaluated: 2025-09-03. Review status: criteria provided, single submitter. Criteria: Invitae Variant Classification Sherloc (09022015). Collection method: clinical testing. Allele origin: germline.
Comment: This sequence change replaces isoleucine, which is neutral and non-polar, with methionine, which is neutral and non-polar, at codon 920 of the RECQL4 protein (p.Ile920Met). This variant is present in population databases (rs752058642, gnomAD 0.003%). This variant has not been reported in the literature in individuals affected with RECQL4-related conditions. ClinVar contains an entry for this variant (Variation ID: 1045562). Invitae Evidence Modeling of protein sequence and biophysical properties (such as structural, functional, and spatial information, amino acid conservation, physicochemical variation, residue mobility, and thermodynamic stability) indicates that this missense variant is expected to disrupt RECQL4 protein function with a positive predictive value of 80%. In summary, the available evidence is currently insufficient to determine the role of this variant in disease. Therefore, it has been classified as a Variant of Uncertain Significance.

PreventionGenetics, part of Exact Sciences
Classification: Uncertain significance for RECQL4-related condition. Last evaluated: 2022-09-29. Review status: criteria provided, single submitter. Criteria: ACMG Guidelines, 2015. Collection method: clinical testing. Allele origin: germline.
Comment: The RECQL4 c.2760C>G variant is predicted to result in the amino acid substitution p.Ile920Met. To our knowledge, this variant has not been reported in the literature. This variant is reported in 0.0029% of alleles in individuals of Latino descent in gnomAD. At this time, the clinical significance of this variant is uncertain due to the absence of conclusive functional and genetic evidence.